The following is an entry in ClinVar:

NM_000059.4(BRCA2):c.4114T>A (p.Phe1372Ile)

Gene: BRCA2 (BRCA2 DNA repair associated; plus strand). Cytogenetic location: 13q13.1.
Variant type: single nucleotide variant.
Coding change: c.4114T>A on transcript NM_000059.4 (MANE Select); coding-DNA position 4114, T replaced by A.
Protein change: p.Phe1372Ile; replaces phenylalanine 1372 with isoleucine.
Molecular consequence: missense variant.
Genome position (GRCh38, 1-based): chr13:32,338,469, T>A. VCF-style: chr13-32338469-T-A. GRCh37 (hg19) VCF-style: chr13-32912606-T-A.
Other names: short protein forms F1372I.
Identifiers: ClinVar variation 219589 (VCV000219589.9), dbSNP rs864622169, ClinGen allele CA348262.

ClinVar aggregate classification (germline): Conflicting classifications of pathogenicity. Review status: criteria provided, conflicting classifications (1 of 4 stars). 2 submissions from 2 submitters: Uncertain significance (1); Likely benign (1). Last evaluated 2024-07-03.

Conditions:
Hereditary cancer-predisposing syndrome. Also called: Hereditary neoplastic syndrome; Tumor predisposition; Hereditary Cancer Syndrome; Neoplastic Syndromes, Hereditary. Identifiers: Orphanet 140162, MedGen C0027672, MeSH D009386, MONDO:0015356.
Hereditary breast ovarian cancer syndrome. Also called: BRCA1- and BRCA2-Associated Hereditary Breast and Ovarian Cancer; Hereditary breast and ovarian cancer syndrome (HBOC); Hereditary breast and/or ovarian cancer syndrome; Hereditary breast and ovarian cancer syndrome; Hereditary breast and ovarian cancer; Breast and ovarian cancer. Identifiers: Orphanet 145, MedGen C0677776, MeSH D061325, MONDO:0003582. Disease mechanism: loss of function.

Submissions (2):

Labcorp Genetics (formerly Invitae), Labcorp
Classification: Uncertain significance for Hereditary breast ovarian cancer syndrome. Last evaluated: 2024-07-03. Review status: criteria provided, single submitter. Criteria: Invitae Variant Classification Sherloc (09022015). Collection method: clinical testing. Allele origin: germline.
Comment: This sequence change replaces phenylalanine, which is neutral and non-polar, with isoleucine, which is neutral and non-polar, at codon 1372 of the BRCA2 protein (p.Phe1372Ile). This variant is not present in population databases (gnomAD no frequency). This variant has not been reported in the literature in individuals affected with BRCA2-related conditions. ClinVar contains an entry for this variant (Variation ID: 219589). Advanced modeling of protein sequence and biophysical properties (such as structural, functional, and spatial information, amino acid conservation, physicochemical variation, residue mobility, and thermodynamic stability) performed at Invitae indicates that this missense variant is not expected to disrupt BRCA2 protein function with a negative predictive value of 95%. In summary, the available evidence is currently insufficient to determine the role of this variant in disease. Therefore, it has been classified as a Variant of Uncertain Significance.

University of Washington Department of Laboratory Medicine, University of Washington
Classification: Likely benign for Hereditary cancer-predisposing syndrome. Last evaluated: 2023-03-23. Review status: criteria provided, single submitter. Criteria: Dines et al. (Genet Med. 2020). Collection method: curation. Allele origin: germline.
Comment: Missense variant in a coldspot region where missense variants are very unlikely to be pathogenic (PMID:31911673).

BRCA2 exon 11 coldspot. Reclassification based on statistical prior probability.